The following is an entry in ClinVar:

ClinVar aggregate classification (germline): Uncertain significance. Review status: criteria provided, multiple submitters, no conflicts (2 of 4 stars). 2 submissions from 2 submitters: Uncertain significance (2). Last evaluated 2025-06-09.

Allele frequency attached by ClinVar (database versions not stated): ExAC 0.00001; gnomAD 0.00001; TOPMed 0.00002.
gnomAD v4.1: 10 of 1,613,930 alleles (0.00062%); highest among the groups gnomAD compares: Admixed American, 0.0033%; no homozygotes.

Submissions (2):

Labcorp Genetics (formerly Invitae), Labcorp
Classification: Uncertain significance. Last evaluated: 2025-06-09. Review status: criteria provided, single submitter. Criteria: Invitae Variant Classification Sherloc (09022015). Collection method: clinical testing. Allele origin: germline.
Comment: This sequence change replaces glutamic acid, which is acidic and polar, with lysine, which is basic and polar, at codon 756 of the MICAL1 protein (p.Glu756Lys). This variant is present in population databases (rs369939778, gnomAD 0.007%). This variant has not been reported in the literature in individuals affected with MICAL1-related conditions. ClinVar contains an entry for this variant (Variation ID: 1919022). An algorithm developed to predict the effect of missense changes on protein structure and function (PolyPhen-2) suggests that this variant is likely to be tolerated. In summary, the available evidence is currently insufficient to determine the role of this variant in disease. Therefore, it has been classified as a Variant of Uncertain Significance.

Ambry Genetics
Classification: Uncertain significance. Last evaluated: 2025-05-07. Review status: criteria provided, single submitter. Criteria: Ambry Variant Classification Scheme 2023. Collection method: clinical testing. Allele origin: germline.

NM_022765.4(MICAL1):c.2209G>A (p.Glu737Lys)

Gene: MICAL1 (microtubule associated monooxygenase, calponin and LIM domain containing 1; minus strand). Cytogenetic location: 6q21.
Variant type: single nucleotide variant.
Coding change: c.2209G>A on transcript NM_022765.4 (MANE Select); coding-DNA position 2209, G replaced by A.
Protein change: p.Glu737Lys; replaces glutamic acid 737 with lysine.
Molecular consequence: missense variant.
Genome position (GRCh38, 1-based): chr6:109,447,091, C>T on the plus strand (G>A on the coding strand, the complement: MICAL1 is on the minus strand). VCF-style: chr6-109447091-C-T. GRCh37 (hg19) VCF-style: chr6-109768294-C-T.
Other names: c.1951G>A, p.Glu651Lys (NM_001159291.2); c.2266G>A, p.Glu756Lys (NM_001286613.2); c.2209G>A (NM_022765.3); short protein forms E651K, E756K, E737K.
Identifiers: ClinVar variation 1919022 (VCV001919022.6), dbSNP rs369939778, ClinGen allele CA3953024.
Genomic context (GRCh38, chr6:109,447,091, plus strand): 5'-CCAGGCCCAGAGTCTCTCTGGAGGTCTCCCAGGCCCACTCACCATCTCCTGGGTGCTGCT[C>T]GTAGCCACCTGGCCACAGTGTGGCCTCACAGGTATGGCAGCGGAAGCAGCTCCGGTGGAA-3'
Protein context (NP_073602.3, residues 727-747): CEATLWPGGY[Glu737Lys]QHPGDGHFYC